The following is an entry in ClinVar:

NM_014639.4(SKIC3):c.1452+1G>A

Gene: SKIC3 (SKI3 subunit of superkiller complex; minus strand). Cytogenetic location: 5q15.
Variant type: single nucleotide variant.
Coding change: c.1452+1G>A on transcript NM_014639.4 (MANE Select); the canonical splice donor site of the intron after coding-DNA position 1452, G replaced by A.
Molecular consequence: splice donor variant.
Genome position (GRCh38, 1-based): chr5:95,524,464, C>T on the plus strand (G>A on the coding strand, the complement: SKIC3 is on the minus strand). VCF-style: chr5-95524464-C-T. GRCh37 (hg19) VCF-style: chr5-94860168-C-T.
Identifiers: ClinVar variation 2818131 (VCV002818131.3), dbSNP rs1403787492, ClinGen allele CA360464243.

ClinVar aggregate classification (germline): Likely pathogenic (1 of 4 stars; one submission).

Allele frequency attached by ClinVar (database versions not stated): gnomAD exomes below 0.00001.
gnomAD v4.1: 1 of 1,612,812 alleles (0.000062%); highest among the groups gnomAD compares: Non-Finnish European, 0.000085%; no homozygotes.

Submission:

Labcorp Genetics (formerly Invitae), Labcorp
Classification: Likely pathogenic. Last evaluated: 2022-12-03. Review status: criteria provided, single submitter. Criteria: Invitae Variant Classification Sherloc (09022015). Collection method: clinical testing. Allele origin: germline.
Comment: In summary, the currently available evidence indicates that the variant is pathogenic, but additional data are needed to prove that conclusively. Therefore, this variant has been classified as Likely Pathogenic. Algorithms developed to predict the effect of sequence changes on RNA splicing suggest that this variant may disrupt the consensus splice site. This variant has not been reported in the literature in individuals affected with TTC37-related conditions. This variant is present in population databases (no rsID available, gnomAD 0.0009%). This sequence change affects a donor splice site in intron 16 of the TTC37 gene. It is expected to disrupt RNA splicing. Variants that disrupt the donor or acceptor splice site typically lead to a loss of protein function (PMID: 16199547), and loss-of-function variants in TTC37 are known to be pathogenic (PMID: 20176027, 21120949).

Literature cited by the submitters: PubMed 16199547; PubMed 20176027; PubMed 21120949.